The following is an entry in ClinVar:

NM_000344.4(SMN1):c.835-21_*3+17del

Gene: SMN1 (survival of motor neuron 1, telomeric). Cytogenetic location: 5q13.2.
Variant type: Deletion.
Coding change: c.835-21_*3+17del on transcript NM_000344.4 (MANE Select); 21 bases into the intron before coding-DNA position 835 through 17 bases into the intron after 3 bases downstream of the stop codon, this stretch deleted.
Molecular consequence: splice acceptor variant, splice donor variant. On other transcripts: intron variant (1).
Genome position: GRCh38: chr5:70,951,920-70,952,011. GRCh37 (hg19): chr5:70,247,747-70,247,838.
Other names: c.835-519_835-428del (NM_001297715.1); c.739-21_*3+17del (NM_022874.2).
Identifiers: ClinVar variation 571461 (VCV000571461.1), dbSNP rs1561503058, ClinGen allele CA891843196.

ClinVar aggregate classification (germline): Pathogenic (1 of 4 stars; one submission).

Conditions:
Spinal muscular atrophy (SMA). Identifiers: MedGen C0026847, MeSH D009134, MONDO:0001516, HP:0007269.

Submission:

Labcorp Genetics (formerly Invitae), Labcorp
Classification: Pathogenic for Spinal muscular atrophy. Last evaluated: 2018-06-05. Review status: criteria provided, single submitter. Criteria: Invitae Variant Classification Sherloc (09022015). Collection method: clinical testing. Allele origin: germline.
Comment: This variant is a gross deletion of the genomic region encompassing exon 8 (conventionally referred to as exon 7) of the SMN1 gene. Due to the sequence similarity between other exons of SMN1 and SMN2, the presence of this variant is used to infer a whole-gene deletion of SMN1. This variant is clearly defined as a spinal muscular atrophy (SMA) causative allele (PMID: 11839954, 18572081). It has been reported in the homozygous state in approximately 96.4% of individuals affected with 5q13-linked SMA, and in the compound heterozygous state with a second loss-of-function SMN1 allele in the remaining 3.6% of affected individuals (PMID: 10679938). For these reasons, this variant has been classified as Pathogenic.

Literature cited by the submitters: PubMed 18572081; PubMed 11839954; PubMed 10679938.